The following is an entry in ClinVar:

NM_001098426.2(SMARCD2):c.1480C>T (p.Arg494Ter)

Gene: SMARCD2 (SWI/SNF related BAF chromatin remodeling complex subunit D2; minus strand). Cytogenetic location: 17q23.3.
Variant type: single nucleotide variant.
Coding change: c.1480C>T on transcript NM_001098426.2 (MANE Select); coding-DNA position 1480, C replaced by T.
Protein change: p.Arg494Ter; replaces arginine 494 with a stop codon.
Molecular consequence: nonsense.
Genome position (GRCh38, 1-based): chr17:63,833,131, G>A on the plus strand (C>T on the coding strand, the complement: SMARCD2 is on the minus strand). VCF-style: chr17-63833131-G-A. GRCh37 (hg19) VCF-style: chr17-61910491-G-A.
Other names: c.1255C>T, p.Arg419Ter (NM_001330439.1); c.1336C>T, p.Arg446Ter (NM_001330440.2); short protein forms R419*, R446*, R494*.
Identifiers: ClinVar variation 1073417 (VCV001073417.7), dbSNP rs2040215627, ClinGen allele CA400597812.

ClinVar aggregate classification (germline): Pathogenic (1 of 4 stars; one submission).

Allele frequency attached by ClinVar (database versions not stated): gnomAD exomes below 0.00001.

Submission:

Labcorp Genetics (formerly Invitae), Labcorp
Classification: Pathogenic. Last evaluated: 2020-10-19. Review status: criteria provided, single submitter. Criteria: Invitae Variant Classification Sherloc (09022015). Collection method: clinical testing. Allele origin: germline.
Comment: For these reasons, this variant has been classified as Pathogenic. This variant has not been reported in the literature in individuals with SMARCD2-related conditions. This variant is not present in population databases (ExAC no frequency). This sequence change creates a premature translational stop signal (p.Arg494*) in the SMARCD2 gene. It is expected to result in an absent or disrupted protein product. Loss-of-function variants in SMARCD2 are known to be pathogenic (PMID: 28369036).

Literature cited by the submitters: PubMed 28369036.